The following is an entry in ClinVar:

ClinVar aggregate classification (germline): Uncertain significance (1 of 4 stars; one submission).

Submission:

GeneDx
Classification: Uncertain significance. Last evaluated: 2023-10-23. Review status: criteria provided, single submitter. Criteria: GeneDx Variant Classification Process June 2021. Collection method: clinical testing. Allele origin: germline. Affected: yes.
Comment: Not observed at significant frequency in large population cohorts (gnomAD); In silico analysis supports that this missense variant has a deleterious effect on protein structure/function; Has not been previously published as pathogenic or benign to our knowledge; Reported using an alternate transcript of the gene

NM_017508.3(SOX6):c.-174G>T

Genes: SOX6 (SRY-box transcription factor 6; minus strand), LOC110121340 (VISTA enhancer hs1301; plus strand). Cytogenetic location: 11p15.2.
Variant type: single nucleotide variant.
Coding change: c.-174G>T on transcript NM_017508.3; 174 bases upstream of the start codon, G replaced by T.
Molecular consequence: 5 prime UTR variant. On other transcripts: intron variant (3).
Genome position (GRCh38, 1-based): chr11:16,402,828, C>A on the plus strand (G>T on the coding strand, the complement: SOX6 is on the minus strand). VCF-style: chr11-16402828-C-A. GRCh37 (hg19) VCF-style: chr11-16424374-C-A.
Other names: c.-33G>T (NM_001145819.2); c.-4-61576G>T (NM_001367872.1, NM_033326.3); c.-5+5870G>T (NM_001145811.2).
Identifiers: ClinVar variation 3363260 (VCV003363260.1).